The following is an entry in ClinVar:

ClinVar aggregate classification (germline): Benign/Likely benign. Review status: criteria provided, multiple submitters, no conflicts (2 of 4 stars). 7 submissions from 7 submitters: Benign (3); Likely benign (4). Last evaluated 2026-06-01.

Conditions:
Charcot-Marie-Tooth disease axonal type 2O. Also called: Charcot-Marie-Tooth Neuropathy Type 2O; Charcot-Marie-Tooth disease, axonal, type 20; CHARCOT-MARIE-TOOTH NEUROPATHY, AXONAL, TYPE 2O; CHARCOT-MARIE-TOOTH DISEASE, AXONAL, AUTOSOMAL DOMINANT, TYPE 2O. Identifiers: Orphanet 284232, MedGen C3280220, MONDO:0013644, OMIM 614228.
Inborn genetic diseases. Identifiers: MedGen C0950123, MeSH D030342.

Allele frequency attached by ClinVar (database versions not stated): gnomAD exomes 0.00006 and 0.00016; ExAC 0.00017; ESP Exome Variant Server 0.00038; gnomAD 0.00073 and 0.00075; TOPMed 0.00077; 1000 Genomes Project 0.00140; 1000 Genomes Project 30x 0.00141.
gnomAD v4.1: 209 of 1,613,576 alleles (0.013%); highest among the groups gnomAD compares: African/African-American, 0.22%; no homozygotes.

Submissions (7):

CeGaT Center for Human Genetics Tuebingen
Classification: Likely benign. Last evaluated: 2026-06-01. Review status: criteria provided, single submitter. Criteria: CeGaT Center For Human Genetics Tuebingen Variant Classification Criteria Version 2. Collection method: clinical testing. Allele origin: germline. Affected: yes. Observed: 2 variant alleles.
Comment: DYNC1H1: BP4, BP7, BS1

Labcorp Genetics (formerly Invitae), Labcorp
Classification: Benign for Charcot-Marie-Tooth disease axonal type 2O. Last evaluated: 2026-02-01. Review status: criteria provided, single submitter. Criteria: Invitae Variant Classification Sherloc (09022015). Collection method: clinical testing. Allele origin: germline.

ARUP Laboratories, Molecular Genetics and Genomics, ARUP Laboratories
Classification: Benign. Last evaluated: 2024-10-11. Review status: criteria provided, single submitter. Criteria: ARUP Molecular Germline Variant Investigation Process 2024. Collection method: clinical testing. Allele origin: germline.

Blueprint Genetics
Classification: Likely benign. Last evaluated: 2024-09-04. Review status: criteria provided, single submitter. Criteria: ACMG Guidelines, 2015. Collection method: clinical testing. Allele origin: germline.

GeneDx
Classification: Benign. Last evaluated: 2020-12-23. Review status: criteria provided, single submitter. Criteria: GeneDx Variant Classification Process June 2021. Collection method: clinical testing. Allele origin: germline. Affected: yes.

Genetic Services Laboratory, University of Chicago
Classification: Likely benign. Last evaluated: 2018-11-20. Review status: criteria provided, single submitter. Criteria: ACMG Guidelines, 2015. Collection method: clinical testing. Allele origin: germline. Affected: no.

Ambry Genetics
Classification: Likely benign for Inborn genetic diseases. Last evaluated: 2017-05-31. Review status: criteria provided, single submitter. Criteria: Ambry Variant Classification Scheme 2023. Collection method: clinical testing. Allele origin: germline.

NM_001376.5(DYNC1H1):c.7419C>T (p.Asn2473=)

Gene: DYNC1H1 (dynein cytoplasmic 1 heavy chain 1; plus strand). Cytogenetic location: 14q32.31.
Variant type: single nucleotide variant.
Coding change: c.7419C>T on transcript NM_001376.5 (MANE Select); coding-DNA position 7419, C replaced by T.
Protein change: p.Asn2473=; no amino-acid change (asparagine 2473 retained).
Molecular consequence: synonymous variant.
Genome position (GRCh38, 1-based): chr14:102,016,032, C>T. VCF-style: chr14-102016032-C-T. GRCh37 (hg19) VCF-style: chr14-102482369-C-T.
Identifiers: ClinVar variation 590173 (VCV000590173.32), dbSNP rs111459275, ClinGen allele CA7352808.